The following is an entry in ClinVar:

NM_001270508.2(TNFAIP3):c.386C>T (p.Thr129Met)

Gene: TNFAIP3 (TNF alpha induced protein 3; plus strand). Cytogenetic location: 6q23.3.
Variant type: single nucleotide variant.
Coding change: c.386C>T on transcript NM_001270508.2 (MANE Select); coding-DNA position 386, C replaced by T.
Protein change: p.Thr129Met; replaces threonine 129 with methionine.
Molecular consequence: missense variant.
Genome position (GRCh38, 1-based): chr6:137,874,935, C>T. VCF-style: chr6-137874935-C-T. GRCh37 (hg19) VCF-style: chr6-138196072-C-T.
Other names: c.386C>T, p.Thr129Met (NM_006290.4, NM_001270507.2); short protein forms T129M.
Identifiers: ClinVar variation 3010546 (VCV003010546.3), dbSNP rs183020993, ClinGen allele CA4019414.

ClinVar aggregate classification (germline): Uncertain significance (1 of 4 stars; one submission).

Allele frequency attached by ClinVar (database versions not stated): TOPMed below 0.00001; gnomAD 0.00001.
gnomAD v4.1: 8 of 1,614,120 alleles (0.0005%); highest among the groups gnomAD compares: African/African-American, 0.0027%; no homozygotes.

Submission:

Labcorp Genetics (formerly Invitae), Labcorp
Classification: Uncertain significance. Last evaluated: 2023-11-13. Review status: criteria provided, single submitter. Criteria: Invitae Variant Classification Sherloc (09022015). Collection method: clinical testing. Allele origin: germline.
Comment: This sequence change replaces threonine, which is neutral and polar, with methionine, which is neutral and non-polar, at codon 129 of the TNFAIP3 protein (p.Thr129Met). This variant is present in population databases (rs183020993, gnomAD 0.01%). This missense change has been observed in individual(s) with hemophagocytic lymphohistiocytosis (PMID: 36064566). Advanced modeling of protein sequence and biophysical properties (such as structural, functional, and spatial information, amino acid conservation, physicochemical variation, residue mobility, and thermodynamic stability) performed at Invitae indicates that this missense variant is not expected to disrupt TNFAIP3 protein function with a negative predictive value of 80%. In summary, the available evidence is currently insufficient to determine the role of this variant in disease. Therefore, it has been classified as a Variant of Uncertain Significance.

Literature cited by the submitters: PubMed 36064566.